The following is an entry in ClinVar:

NM_000257.4(MYH7):c.550A>C (p.Lys184Gln)

Gene: MYH7 (myosin heavy chain 7; minus strand). Cytogenetic location: 14q11.2.
Variant type: single nucleotide variant.
Coding change: c.550A>C on transcript NM_000257.4 (MANE Select); coding-DNA position 550, A replaced by C.
Protein change: p.Lys184Gln; replaces lysine 184 with glutamine.
Molecular consequence: missense variant.
Genome position (GRCh38, 1-based): chr14:23,431,850, T>G on the plus strand (A>C on the coding strand, the complement: MYH7 is on the minus strand). VCF-style: chr14-23431850-T-G. GRCh37 (hg19) VCF-style: chr14-23901059-T-G.
Other names: p.K184Q:AAG>CAG; NM_000257.4(MYH7):c.550A>C; p.Lys184Gln; c.550A>C (LRG_384t1); short protein forms K184Q.
Identifiers: ClinVar variation 181312 (VCV000181312.20), dbSNP rs730880843, ClinGen allele CA016180.

ClinVar aggregate classification (germline): Uncertain significance. Review status: reviewed by expert panel (3 of 4 stars). 5 submissions from 5 submitters: Uncertain significance (1). 4 of the submissions do not count toward it. Last evaluated 2021-12-01.

Conditions:
Cardiovascular phenotype. Identifiers: MedGen CN230736.
Cardiomyopathy (CMYO). Also called: Cardiomyopathies. Identifiers: Orphanet 167848, MedGen C0878544, MONDO:0004994, HP:0001638. Inheritance: Various modes of inheritance.
Hypertrophic cardiomyopathy. Also called: HYPERTROPHIC MYOCARDIOPATHY. Identifiers: Orphanet 217569, MedGen C0007194, MeSH D002312, MONDO:0005045, HP:0001639.

Allele frequency attached by ClinVar (database versions not stated): gnomAD 0.00001; TOPMed 0.00001.
gnomAD v4.1: 2 of 1,614,130 alleles (0.00012%); highest among the groups gnomAD compares: Non-Finnish European, 0.00017%; no homozygotes.

Submissions (5):

ClinGen Cardiomyopathy Variant Curation Expert Panel
Classification: Uncertain significance for Hypertrophic cardiomyopathy. Last evaluated: 2021-12-01. Review status: reviewed by expert panel. Criteria: ClinGen CMP ACMG Specifications v1. Collection method: curation. Allele origin: germline. Inheritance: Autosomal dominant inheritance.
Comment: The NM_000257.4(MYH7):c.550A>C (p.Lys184Gln) variant has been identified in at least 4 individuals with LVNC (Miller 2017 PMID:29212898; GeneDx pers. comm.; Invitae pers. comm.), 1 individual with HCM and LVNC (Ambry pers. comm.), 1 individual with HCM who carried another pathogenic variant in MYH7 (GeneDx pers. comm.) and 1 individual with sudden cardiac death. Additionally, this variant has segregated with LVNC in 6 affected relatives from 2 families (GeneDx pers. comm.). While this variant has been reported in multiple phenotypes, there is conflicting evidence on whether isolated LVNC is a Mendelian disease and therefore those cases without additional cardiomyopathy features are not currently being counted. Therefore, the current evidence is currently insufficient to apply the PS4 or the PP1 criteria for the HCM phenotypes. This variant was absent from large population studies (PM2; gnomAD v2.1.1). This variant lies in the head region of the protein (aa 181-937) and missense variants in this region are statistically more likely to be associated with HCM, but location in this region cannot be used to support pathogenicity for other phenotypes ( Walsh 2017 PMID:27532257). Computational prediction tools and conservation analysis suggest that this variant may impact the protein (PP3). In summary, due to insufficient evidence, this variant is classified as uncertain significance for hypertrophic cardiomyopathy in an autosomal dominant manner. MYH7-specific ACMG/AMP criteria applied (Kelly 2018 PMID:29300372): PM2, PP3.

GeneDx
Classification: Likely pathogenic. Last evaluated: 2026-07-24. Review status: criteria provided, single submitter. Criteria: GeneDx Variant Classification Process June 2021. Collection method: clinical testing. Allele origin: germline. Not counted in ClinVar's aggregate classification.
Comment: Identified in a patient with sudden death and suspected arrhythmogenic mitral valve prolapse (MVP) (PMID: 34667957); Observed with an additional MYH7 variant confirmed or suspected to be on the opposite allele (in trans) in patients referred for genetic testing at GeneDx who were reported with an earlier onset and more complex phenotype; Not observed at significant frequency in large population cohorts (gnomAD); In silico analysis supports that this missense variant has a deleterious effect on protein structure/function; This variant is associated with the following publications: (PMID: 28798025, 29212898, 27532257, 34752814, 34667957, 29300372, 42086861, 41282263)

Ambry Genetics
Classification: Likely pathogenic for Cardiovascular phenotype. Last evaluated: 2025-01-07. Review status: criteria provided, single submitter. Criteria: Ambry Variant Classification Scheme 2023. Collection method: clinical testing. Allele origin: germline. Not counted in ClinVar's aggregate classification.
Comment: The p.K184Q variant (also known as c.550A>C), located in coding exon 5 of the MYH7 gene, results from an A to C substitution at nucleotide position 550. The lysine at codon 184 is replaced by glutamine, an amino acid with similar properties. This variant was identified in one or more individuals with features consistent with left ventricular noncompaction cardiomyopathy and segregated with disease in families (Miller EM et al. Circ Cardiovasc Genet, 2017 Dec;10; Collyer J et al. Int J Cardiol, 2022 Jan;347:29-37; pers. comm.; Ambry internal data). This amino acid position is highly conserved in available vertebrate species. In addition, this alteration is predicted to be deleterious by in silico analysis. This variant is considered to be rare based on population cohorts in the Genome Aggregation Database (gnomAD). Based on the majority of available evidence to date, this variant is likely to be pathogenic.

Labcorp Genetics (formerly Invitae), Labcorp
Classification: Uncertain significance for Hypertrophic cardiomyopathy. Last evaluated: 2024-11-28. Review status: criteria provided, single submitter. Criteria: Invitae Variant Classification Sherloc (09022015). Collection method: clinical testing. Allele origin: germline. Not counted in ClinVar's aggregate classification.
Comment: This sequence change replaces lysine, which is basic and polar, with glutamine, which is neutral and polar, at codon 184 of the MYH7 protein (p.Lys184Gln). This variant is not present in population databases (gnomAD no frequency). This missense change has been observed in individual(s) with left ventricular noncompaction and/or sudden unexplained death (PMID: 29212898, 34667957). ClinVar contains an entry for this variant (Variation ID: 181312). Invitae Evidence Modeling of protein sequence and biophysical properties (such as structural, functional, and spatial information, amino acid conservation, physicochemical variation, residue mobility, and thermodynamic stability) indicates that this missense variant is expected to disrupt MYH7 protein function with a positive predictive value of 95%. In summary, the available evidence is currently insufficient to determine the role of this variant in disease. Therefore, it has been classified as a Variant of Uncertain Significance.

All of Us Research Program, National Institutes of Health
Classification: Uncertain significance for Cardiomyopathy. Last evaluated: 2023-04-27. Review status: criteria provided, single submitter. Criteria: ACMG Guidelines, 2015. Collection method: clinical testing. Allele origin: germline. Inheritance: Autosomal dominant inheritance. Observed: 1 variant allele, 1 heterozygote. Not counted in ClinVar's aggregate classification.
Comment: This study involves interpretation of variants in research participants for the purpose of population health screening. Participant phenotype was not available at the time of variant classification. Additional details can be found in publication PMID: 35346344, PMCID: PMC8962531

Literature cited by the submitters: PubMed 27532257 (cited by Ambry Genetics); PubMed 29212898 (cited by Ambry Genetics and Labcorp Genetics (formerly Invitae), Labcorp); PubMed 34667957 (cited by Ambry Genetics and Labcorp Genetics (formerly Invitae), Labcorp); PubMed 34752814 (cited by Ambry Genetics).